The following is an entry in ClinVar:

NM_001365951.3(KIF1B):c.2228A>T (p.Glu743Val)

Gene: KIF1B (kinesin family member 1B; plus strand). Cytogenetic location: 1p36.22.
Variant type: single nucleotide variant.
Coding change: c.2228A>T on transcript NM_001365951.3 (MANE Select); coding-DNA position 2228, A replaced by T.
Protein change: p.Glu743Val; replaces glutamic acid 743 with valine.
Molecular consequence: missense variant.
Genome position (GRCh38, 1-based): chr1:10,321,727, A>T. VCF-style: chr1-10321727-A-T. GRCh37 (hg19) VCF-style: chr1-10381785-A-T.
Other names: c.2228A>T, p.Glu743Val (NM_001365952.1); c.2090A>T, p.Glu697Val (NM_015074.3); short protein forms E697V, E743V.
Identifiers: ClinVar variation 4043088 (VCV004043088.1).

ClinVar aggregate classification (germline): Uncertain significance (1 of 4 stars; one submission).

Submission:

Ambry Genetics
Classification: Uncertain significance. Last evaluated: 2025-03-28. Review status: criteria provided, single submitter. Criteria: Ambry Variant Classification Scheme 2023. Collection method: clinical testing. Allele origin: germline.
Comment: The p.E697V variant (also known as c.2090A>T), located in coding exon 21 of the KIF1B gene, results from an A to T substitution at nucleotide position 2090. The glutamic acid at codon 697 is replaced by valine, an amino acid with dissimilar properties. This amino acid position is conserved. In addition, this alteration is predicted to be deleterious by in silico analysis. Based on the available evidence, the clinical significance of this variant remains unclear.